The following is an entry in ClinVar:

NM_201253.3(CRB1):c.2977G>A (p.Glu993Lys)

Gene: CRB1 (crumbs cell polarity complex component 1; plus strand). Cytogenetic location: 1q31.3.
Variant type: single nucleotide variant.
Coding change: c.2977G>A on transcript NM_201253.3 (MANE Select); coding-DNA position 2977, G replaced by A.
Protein change: p.Glu993Lys; replaces glutamic acid 993 with lysine.
Molecular consequence: missense variant. On other transcripts: non-coding transcript variant (2), intron variant (1).
Genome position (GRCh38, 1-based): chr1:197,434,840, G>A. VCF-style: chr1-197434840-G-A. GRCh37 (hg19) VCF-style: chr1-197403970-G-A.
Other names: c.2641G>A, p.Glu881Lys (NM_001193640.2); c.2905G>A, p.Glu969Lys (NM_001257965.2); c.2129-760G>A (NM_001257966.2); short protein forms E969K, E993K, E881K.
Identifiers: ClinVar variation 707390 (VCV000707390.17), dbSNP rs151092557, ClinGen allele CA1312254.

ClinVar aggregate classification (germline): Likely benign. Review status: criteria provided, multiple submitters, no conflicts (2 of 4 stars). 9 submissions from 7 submitters: Likely benign (7). 2 of the submissions do not count toward it. Last evaluated 2026-01-19.

Conditions:
CRB1-related disorder. Also called: CRB1-related disorders; CRB1-related condition.
Leber congenital amaurosis 8 (LCA8). Identifiers: Orphanet 65, MedGen C3151202, MONDO:0013453, OMIM 613835.
Retinitis pigmentosa 12 (RP12). Also called: RP WITH OR WITHOUT PPRPE; RP WITH OR WITHOUT PRESERVED PARAARTERIOLE RETINAL PIGMENT EPITHELIUM; RETINITIS PIGMENTOSA WITH OR WITHOUT PARAARTERIOLAR PRESERVATION OF RETINAL PIGMENT EPITHELIUM. Identifiers: Orphanet 791, MedGen C1838647, MONDO:0010818, OMIM 600105.
Pigmented paravenous retinochoroidal atrophy. Identifiers: Orphanet 251295, MedGen C1868310, MONDO:0008246, OMIM 172870.
Leber congenital amaurosis (LCA). Also called: Leber's amaurosis. Identifiers: Orphanet 65, MedGen C0339527, MeSH D057130, MONDO:0018998.

Allele frequency attached by ClinVar (database versions not stated): gnomAD exomes 0.00011 and 0.00030; ExAC 0.00035; 1000 Genomes Project 0.00040; 1000 Genomes Project 30x 0.00047; gnomAD 0.00113 and 0.00122; ESP Exome Variant Server 0.00123; TOPMed 0.00128.
gnomAD v4.1: 339 of 1,613,804 alleles (0.021%); highest among the groups gnomAD compares: African/African-American, 0.38%; 3 homozygotes.

Submissions (9):

Labcorp Genetics (formerly Invitae), Labcorp
Classification: Likely benign for Leber congenital amaurosis 8; Retinitis pigmentosa 12. Last evaluated: 2026-01-19. Review status: criteria provided, single submitter. Criteria: Invitae Variant Classification Sherloc (09022015). Collection method: clinical testing. Allele origin: germline.

Blueprint Genetics
Classification: Likely benign. Last evaluated: 2024-08-28. Review status: criteria provided, single submitter. Criteria: ACMG Guidelines, 2015. Collection method: clinical testing. Allele origin: germline.

Genome-Nilou Lab
Classification: Likely benign for Leber congenital amaurosis 8. Last evaluated: 2023-04-11. Review status: criteria provided, single submitter. Criteria: ACMG Guidelines, 2015. Collection method: clinical testing. Allele origin: germline. Affected: no.

Genome-Nilou Lab
Classification: Likely benign for Pigmented paravenous retinochoroidal atrophy. Last evaluated: 2023-04-11. Review status: criteria provided, single submitter. Criteria: ACMG Guidelines, 2015. Collection method: clinical testing. Allele origin: germline. Affected: no.

Genome-Nilou Lab
Classification: Likely benign for Retinitis pigmentosa 12. Last evaluated: 2023-04-11. Review status: criteria provided, single submitter. Criteria: ACMG Guidelines, 2015. Collection method: clinical testing. Allele origin: germline. Affected: no.

Fulgent Genetics
Classification: Likely benign for Pigmented paravenous retinochoroidal atrophy; Retinitis pigmentosa 12; Leber congenital amaurosis 8. Last evaluated: 2021-07-14. Review status: criteria provided, single submitter. Criteria: ACMG Guidelines, 2015. Collection method: clinical testing. Allele origin: unknown.

Breakthrough Genomics
Classification: Likely benign. Review status: criteria provided, single submitter. Criteria: ACMG Guidelines, 2015. Collection method: not provided. Allele origin: germline. Inheritance: Autosomal recessive inheritance. Affected: yes.

PreventionGenetics, part of Exact Sciences
Classification: Likely benign for CRB1-related condition. Last evaluated: 2023-04-17. Review status: no assertion criteria provided. Collection method: clinical testing. Allele origin: germline. Not counted in ClinVar's aggregate classification.
Comment: This variant is classified as likely benign based on ACMG/AMP sequence variant interpretation guidelines (Richards et al. 2015 PMID: 25741868, with internal and published modifications).

Natera, Inc.
Classification: Uncertain significance for Leber congenital amaurosis. Last evaluated: 2020-01-07. Review status: no assertion criteria provided. Collection method: clinical testing. Allele origin: germline. Not counted in ClinVar's aggregate classification.